The following is an entry in ClinVar:

NM_001848.3(COL6A1):c.357G>A (p.Ala119=)

Gene: COL6A1 (collagen type VI alpha 1 chain; plus strand). Cytogenetic location: 21q22.3.
Variant type: single nucleotide variant.
Coding change: c.357G>A on transcript NM_001848.3 (MANE Select); coding-DNA position 357, G replaced by A.
Protein change: p.Ala119=; no amino-acid change (alanine 119 retained).
Molecular consequence: synonymous variant.
Genome position (GRCh38, 1-based): chr21:45,984,398, G>A. VCF-style: chr21-45984398-G-A. GRCh37 (hg19) VCF-style: chr21-47404312-G-A.
Identifiers: ClinVar variation 289147 (VCV000289147.38), dbSNP rs747037863, ClinGen allele CA10069546.

ClinVar aggregate classification (germline): Conflicting classifications of pathogenicity. Review status: criteria provided, conflicting classifications (1 of 4 stars). 3 submissions from 3 submitters: Uncertain significance (1); Likely benign (2). Last evaluated 2026-08-01.

Conditions:
Bethlem myopathy 1A. Also called: Bethlem Muscular Dystrophy; MYOPATHY, BENIGN CONGENITAL, WITH CONTRACTURES; Bethlem myopathy 1. Identifiers: Orphanet 610, MedGen CN029274, MONDO:0024530, OMIM 158810.

Allele frequency attached by ClinVar (database versions not stated): TOPMed 0.00005; gnomAD 0.00006 and 0.00007; ExAC 0.00007; gnomAD exomes 0.00007.
gnomAD v4.1: 108 of 1,612,586 alleles (0.0067%); highest among the groups gnomAD compares: South Asian, 0.025%; no homozygotes.

Submissions (3):

CeGaT Center for Human Genetics Tuebingen
Classification: Likely benign. Last evaluated: 2026-08-01. Review status: criteria provided, single submitter. Criteria: CeGaT Center For Human Genetics Tuebingen Variant Classification Criteria Version 2. Collection method: clinical testing. Allele origin: germline. Affected: yes. Observed: 2 variant alleles.
Comment: COL6A1: BP4, BP7

Labcorp Genetics (formerly Invitae), Labcorp
Classification: Likely benign for Bethlem myopathy 1A. Last evaluated: 2024-11-05. Review status: criteria provided, single submitter. Criteria: Invitae Variant Classification Sherloc (09022015). Collection method: clinical testing. Allele origin: germline.

Eurofins Ntd Llc (ga)
Classification: Uncertain significance. Last evaluated: 2018-04-13. Review status: criteria provided, single submitter. Criteria: EGL ClinVar v180209 classification definitions. Collection method: clinical testing. Allele origin: germline. Observed: 3 variant alleles, 3 heterozygotes.